The following is an entry in ClinVar:

ClinVar aggregate classification (germline): Likely benign (1 of 4 stars; one submission).

Conditions:
ITPR3-related disorder. Also called: ITPR3-related condition.

Submission:

PreventionGenetics, part of Exact Sciences
Classification: Likely benign for ITPR3-related condition. Last evaluated: 2026-07-01. Review status: criteria provided, single submitter. Criteria: ACMG Guidelines, 2015. Collection method: clinical testing. Allele origin: germline.
Comment: This variant is classified as likely benign based on ACMG/AMP sequence variant interpretation guidelines (Richards et al. 2015 PMID: 25741868, with internal and published modifications).

NM_002224.4(ITPR3):c.2073A>G (p.Glu691=)

Gene: ITPR3 (inositol 1,4,5-trisphosphate receptor type 3; plus strand). Cytogenetic location: 6p21.31.
Variant type: single nucleotide variant.
Coding change: c.2073A>G on transcript NM_002224.4 (MANE Select); coding-DNA position 2073, A replaced by G.
Protein change: p.Glu691=; no amino-acid change (glutamic acid 691 retained).
Molecular consequence: synonymous variant.
Genome position (GRCh38, 1-based): chr6:33,669,040, A>G. VCF-style: chr6-33669040-A-G. GRCh37 (hg19) VCF-style: chr6-33636817-A-G.
Identifiers: ClinVar variation 4991788 (VCV004991788.1).
Genomic context (GRCh38, chr6:33,669,040, plus strand): 5'-GCCCGTGAAGGAGATGGCCCAATCCCACGAGTACCTGAGCATCGAGTACTCAGAAGAGGA[A>G]GTGTGGCTCACGTGGACTGACAAGAATAACGAGCATCATGAGAAGAGTGTGAGGCAGCTG-3'
Protein context (NP_002215.2, residues 681-701): EYLSIEYSEE[Glu691=]VWLTWTDKNN